The following is an entry in ClinVar:

ClinVar aggregate classification (germline): Conflicting classifications of pathogenicity. Review status: criteria provided, conflicting classifications (1 of 4 stars). 4 submissions from 4 submitters: Likely pathogenic (1); Uncertain significance (2). 1 of the submissions does not count toward it. Last evaluated 2025-07-10.

Conditions:
Pulmonary fibrosis. Identifiers: MedGen C0034069, MONDO:0002771, HP:0002206.
Dyskeratosis congenita, autosomal dominant 2. Identifiers: MedGen C3151443, MONDO:0013521, OMIM 613989.
Idiopathic Pulmonary Fibrosis. Also called: Idiopathic fibrosing alveolitis, chronic form; idiopathic fibrosing alveolitis. Identifiers: Orphanet 2032, MedGen C1800706, MeSH D054990, MONDO:0800504.
Dyskeratosis congenita. Identifiers: Orphanet 1775, MedGen C0265965, MONDO:0015780.

Allele frequency attached by ClinVar (database versions not stated): gnomAD exomes below 0.00001.
gnomAD v4.1: 1 of 1,578,600 alleles (0.000063%); highest among the groups gnomAD compares: South Asian, 0.0011%; no homozygotes.

Submissions (4):

Ambry Genetics
Classification: Uncertain significance for Dyskeratosis congenita. Last evaluated: 2025-07-10. Review status: criteria provided, single submitter. Criteria: Ambry Variant Classification Scheme 2023. Collection method: clinical testing. Allele origin: germline.
Comment: The p.G110A variant (also known as c.329G>C), located in coding exon 2 of the TERT gene, results from a G to C substitution at nucleotide position 329. The glycine at codon 110 is replaced by alanine, an amino acid with similar properties. The variant was observed in an individual with myelodysplastic syndrome (MDS) and was found to have severely reduced telomere elongation capacity by a functional assay (Reilly CR et al. Blood, 2021 Sep;138:898-911). This amino acid position is not well conserved in available vertebrate species. In addition, the in silico prediction for this alteration is inconclusive. Based on the available evidence, the clinical significance of this variant remains unclear.

Labcorp Genetics (formerly Invitae), Labcorp
Classification: Likely pathogenic for Dyskeratosis congenita, autosomal dominant 2; Idiopathic Pulmonary Fibrosis. Last evaluated: 2023-11-13. Review status: criteria provided, single submitter. Criteria: Invitae Variant Classification Sherloc (09022015). Collection method: clinical testing. Allele origin: germline.
Comment: This sequence change replaces glycine, which is neutral and non-polar, with alanine, which is neutral and non-polar, at codon 110 of the TERT protein (p.Gly110Ala). This variant is not present in population databases (gnomAD no frequency). This missense change has been observed in individual(s) with clinical features of TERT-related conditions (PMID: 26024875, 34019641). In at least one individual the data is consistent with being in trans (on the opposite chromosome) from a pathogenic variant. ClinVar contains an entry for this variant (Variation ID: 1331613). Advanced modeling of protein sequence and biophysical properties (such as structural, functional, and spatial information, amino acid conservation, physicochemical variation, residue mobility, and thermodynamic stability) performed at Invitae indicates that this missense variant is expected to disrupt TERT protein function with a positive predictive value of 95%. In summary, the currently available evidence indicates that the variant is pathogenic, but additional data are needed to prove that conclusively. Therefore, this variant has been classified as Likely Pathogenic.

Greenwood Genetic Center Diagnostic Laboratories, Greenwood Genetic Center
Classification: Uncertain significance. Last evaluated: 2021-03-12. Review status: criteria provided, single submitter. Criteria: ACMG Guidelines, 2015. Collection method: clinical testing. Allele origin: germline. Affected: yes.
Comment: PP2, PM2, PM3

Garcia Pulmonary Genetics Research Laboratory, Columbia University Irving Medical Center
Classification: Likely risk allele for Pulmonary fibrosis. Last evaluated: 2022-06-09. Review status: no assertion criteria provided. Collection method: research. Allele origin: germline. Affected: yes. Not counted in ClinVar's aggregate classification.

Literature cited by the submitters: PubMed 34019641 (cited by Ambry Genetics and Labcorp Genetics (formerly Invitae), Labcorp); PubMed 26024875 (cited by Labcorp Genetics (formerly Invitae), Labcorp).

NM_198253.3(TERT):c.329G>C (p.Gly110Ala)

Gene: TERT (telomerase reverse transcriptase; minus strand). Cytogenetic location: 5p15.33.
Variant type: single nucleotide variant.
Coding change: c.329G>C on transcript NM_198253.3 (MANE Select); coding-DNA position 329, G replaced by C.
Protein change: p.Gly110Ala; replaces glycine 110 with alanine.
Molecular consequence: missense variant. On other transcripts: non-coding transcript variant (2).
Genome position (GRCh38, 1-based): chr5:1,294,557, C>G on the plus strand (G>C on the coding strand, the complement: TERT is on the minus strand). VCF-style: chr5-1294557-C-G. GRCh37 (hg19) VCF-style: chr5-1294672-C-G.
Other names: p.Gly110Ala; c.329G>C, p.Gly110Ala (NM_001193376.3); c.329G>C (NM_198253.2); short protein forms G110A.
Identifiers: ClinVar variation 1331613 (VCV001331613.36), dbSNP rs1751262771, ClinGen allele CA359058282.